The following is an entry in ClinVar:

NM_000170.3(GLDC):c.4C>A (p.Gln2Lys)

Gene: GLDC (glycine decarboxylase; minus strand). Cytogenetic location: 9p24.1.
Variant type: single nucleotide variant.
Coding change: c.4C>A on transcript NM_000170.3 (MANE Select); coding-DNA position 4, C replaced by A.
Protein change: p.Gln2Lys; replaces glutamine 2 with lysine.
Molecular consequence: missense variant.
Genome position (GRCh38, 1-based): chr9:6,645,496, G>T on the plus strand (C>A on the coding strand, the complement: GLDC is on the minus strand). VCF-style: chr9-6645496-G-T. GRCh37 (hg19) VCF-style: chr9-6645496-G-T.
Other names: short protein forms Q2K.
Identifiers: ClinVar variation 652407 (VCV000652407.9), dbSNP rs1554652870, ClinGen allele CA372887697.
Genomic context (GRCh38, chr9:6,645,496, plus strand): 5'-GGCGGCGGCCGCCCCCGACCCCGCGGCCCAGGCGCAGCCCCCACGCCCTGGCACAGGACT[G>T]CATGGCCGCGGCCACCGTCCCCTGCCCCGGCCCGCAAGGGTCAGCCGCGCTCTTGGCCCC-3'
Protein context (NP_000161.2, residues 1-12): M[Gln2Lys]SCARAWGLRL

ClinVar aggregate classification (germline): Uncertain significance (1 of 4 stars; one submission).

Conditions:
Glycine encephalopathy. Also called: Non-ketotic hyperglycinemia; Nonketotic hyperglycinemia. Identifiers: Orphanet 407, MedGen C0751748, MONDO:0011612, HP:0008288.

Submission:

Labcorp Genetics (formerly Invitae), Labcorp
Classification: Uncertain significance for Glycine encephalopathy. Last evaluated: 2020-01-07. Review status: criteria provided, single submitter. Criteria: Invitae Variant Classification Sherloc (09022015). Collection method: clinical testing. Allele origin: germline.
Comment: In summary, the available evidence is currently insufficient to determine the role of this variant in disease. Therefore, it has been classified as a Variant of Uncertain Significance. Algorithms developed to predict the effect of missense changes on protein structure and function are either unavailable or do not agree on the potential impact of this missense change (SIFT: "Deleterious"; PolyPhen-2: "Benign"; Align-GVGD: "Class C0"). This variant has not been reported in the literature in individuals with GLDC-related conditions. ClinVar contains an entry for this variant (Variation ID: 652407). The frequency data for this variant in the population databases is considered unreliable, as metrics indicate insufficient coverage at this position in the ExAC database. This sequence change replaces glutamine with lysine at codon 2 of the GLDC protein (p.Gln2Lys). The glutamine residue is moderately conserved and there is a small physicochemical difference between glutamine and lysine.